The following is an entry in ClinVar:

ClinVar aggregate classification (germline): Likely benign. Review status: criteria provided, multiple submitters, no conflicts (2 of 4 stars). 2 submissions from 2 submitters: Likely benign (2). Last evaluated 2018-06-19.

Allele frequency attached by ClinVar (database versions not stated): ESP Exome Variant Server 0.00008; gnomAD 0.00113 and 0.00155; TOPMed 0.00156; ExAC 0.00264; gnomAD exomes 0.00292; 1000 Genomes Project 30x 0.00515; 1000 Genomes Project 0.00639.
gnomAD v4.1: 1,843 of 1,587,948 alleles (0.12%); highest among the groups gnomAD compares: East Asian, 3.2%; 31 homozygotes.

Submissions (2):

GeneDx
Classification: Likely benign. Last evaluated: 2018-06-19. Review status: criteria provided, single submitter. Criteria: GeneDx Variant Classification (06012015). Collection method: clinical testing. Allele origin: germline. Affected: yes.
Comment: This variant is considered likely benign or benign based on one or more of the following criteria: it is a conservative change, it occurs at a poorly conserved position in the protein, it is predicted to be benign by multiple in silico algorithms, and/or has population frequency not consistent with disease.

Breakthrough Genomics
Classification: Likely benign. Review status: criteria provided, single submitter. Criteria: ACMG Guidelines, 2015. Collection method: not provided. Allele origin: germline. Inheritance: Autosomal dominant inheritance. Affected: yes.

NM_001165963.4(SCN1A):c.2176+44C>T

Gene: SCN1A (sodium voltage-gated channel alpha subunit 1; minus strand). Cytogenetic location: 2q24.3.
Variant type: single nucleotide variant.
Coding change: c.2176+44C>T on transcript NM_001165963.4 (MANE Select); 44 bases into the intron after coding-DNA position 2176, C replaced by T.
Molecular consequence: intron variant.
Genome position (GRCh38, 1-based): chr2:166,042,248, G>A on the plus strand (C>T on the coding strand, the complement: SCN1A is on the minus strand). VCF-style: chr2-166042248-G-A. GRCh37 (hg19) VCF-style: chr2-166898758-G-A.
Other names: c.2143+44C>T (NM_001353949.2, NM_001353950.2, NM_001353951.2 and 2 more transcripts); c.2092+44C>T (NM_001353958.2, NM_001353957.2, NM_001165964.3); c.2176+44C>T (NM_001202435.3, NM_001353948.2); c.2140+44C>T (NM_001353955.2, NM_001353954.2); c.2089+44C>T (NM_001353960.2); c.-283+44C>T (NM_001353961.2).
Identifiers: ClinVar variation 673174 (VCV000673174.2), dbSNP rs75022359, ClinGen allele CA1943178.